The following is an entry in ClinVar:

ClinVar aggregate classification (germline): Uncertain significance. Review status: criteria provided, multiple submitters, no conflicts (2 of 4 stars). 2 submissions from 2 submitters: Uncertain significance (2). Last evaluated 2025-12-17.

Submissions (2):

Labcorp Genetics (formerly Invitae), Labcorp
Classification: Uncertain significance. Last evaluated: 2025-12-17. Review status: criteria provided, single submitter. Criteria: Invitae Variant Classification Sherloc (09022015). Collection method: clinical testing. Allele origin: germline.
Comment: This sequence change replaces tyrosine, which is neutral and polar, with histidine, which is basic and polar, at codon 16 of the RNF13 protein (p.Tyr16His). This variant is not present in population databases (gnomAD no frequency). This variant has not been reported in the literature in individuals affected with RNF13-related conditions. ClinVar contains an entry for this variant (Variation ID: 2581970). An algorithm developed to predict the effect of missense changes on protein structure and function (PolyPhen-2) suggests that this variant is likely to be disruptive. In summary, the available evidence is currently insufficient to determine the role of this variant in disease. Therefore, it has been classified as a Variant of Uncertain Significance.

GeneDx
Classification: Uncertain significance. Last evaluated: 2023-03-29. Review status: criteria provided, single submitter. Criteria: GeneDx Variant Classification Process June 2021. Collection method: clinical testing. Allele origin: germline. Affected: yes.
Comment: Not observed at significant frequency in large population cohorts (gnomAD); In silico analysis supports that this missense variant has a deleterious effect on protein structure/function; Has not been previously published as pathogenic or benign to our knowledge

NM_183381.3(RNF13):c.46T>C (p.Tyr16His)

Gene: RNF13 (ring finger protein 13; plus strand). Cytogenetic location: 3q25.1.
Variant type: single nucleotide variant.
Coding change: c.46T>C on transcript NM_183381.3 (MANE Select); coding-DNA position 46, T replaced by C.
Protein change: p.Tyr16His; replaces tyrosine 16 with histidine.
Molecular consequence: missense variant. On other transcripts: 5 prime UTR variant (4), non-coding transcript variant (1), intron variant (2).
Genome position (GRCh38, 1-based): chr3:149,846,072, T>C. VCF-style: chr3-149846072-T-C. GRCh37 (hg19) VCF-style: chr3-149563859-T-C.
Other names: c.46T>C, p.Tyr16His (NM_001378285.1, NM_001378286.1, NM_007282.4); c.-322T>C (NM_001378287.1, NM_001378288.1, NM_001378289.1 and 1 more transcripts); c.-253-6444T>C (NM_183383.2); c.-279-6444T>C (NM_001378291.1); short protein forms Y16H.
Identifiers: ClinVar variation 2581970 (VCV002581970.2), dbSNP rs2473178288, ClinGen allele CA355011571.